The following is an entry in ClinVar:

NM_020247.5(COQ8A):c.1201G>C (p.Glu401Gln)

Gene: COQ8A (coenzyme Q8A; plus strand). Cytogenetic location: 1q42.13.
Variant type: single nucleotide variant.
Coding change: c.1201G>C on transcript NM_020247.5 (MANE Select); coding-DNA position 1201, G replaced by C.
Protein change: p.Glu401Gln; replaces glutamic acid 401 with glutamine.
Molecular consequence: missense variant.
Genome position (GRCh38, 1-based): chr1:226,983,799, G>C. VCF-style: chr1-226983799-G-C. GRCh37 (hg19) VCF-style: chr1-227171500-G-C.
Other names: short protein forms E401Q.
Identifiers: ClinVar variation 1968876 (VCV001968876.5), dbSNP rs780094357, ClinGen allele CA1425362.

ClinVar aggregate classification (germline): Uncertain significance (1 of 4 stars; one submission).

Allele frequency attached by ClinVar (database versions not stated): ExAC 0.00002.
gnomAD v4.1: 4 of 1,612,756 alleles (0.00025%); highest among the groups gnomAD compares: South Asian, 0.0011%; no homozygotes.

Submission:

Labcorp Genetics (formerly Invitae), Labcorp
Classification: Uncertain significance. Last evaluated: 2022-04-06. Review status: criteria provided, single submitter. Criteria: Invitae Variant Classification Sherloc (09022015). Collection method: clinical testing. Allele origin: germline.
Comment: This sequence change replaces glutamic acid, which is acidic and polar, with glutamine, which is neutral and polar, at codon 401 of the COQ8A protein (p.Glu401Gln). This variant is present in population databases (rs780094357, gnomAD 0.003%). This variant has not been reported in the literature in individuals affected with COQ8A-related conditions. Advanced modeling of protein sequence and biophysical properties (such as structural, functional, and spatial information, amino acid conservation, physicochemical variation, residue mobility, and thermodynamic stability) performed at Invitae indicates that this missense variant is expected to disrupt COQ8A protein function. In summary, the available evidence is currently insufficient to determine the role of this variant in disease. Therefore, it has been classified as a Variant of Uncertain Significance.